The following is an entry in ClinVar:

ClinVar aggregate classification (germline): Uncertain significance. Review status: criteria provided, single submitter (1 of 4 stars). 2 submissions from 2 submitters: Uncertain significance (1). 1 of the submissions does not count toward it. Last evaluated 2021-09-01.

Conditions:
Glycine encephalopathy. Also called: Non-ketotic hyperglycinemia; Nonketotic hyperglycinemia. Identifiers: Orphanet 407, MedGen C0751748, MONDO:0011612, HP:0008288.

Allele frequency attached by ClinVar (database versions not stated): gnomAD exomes below 0.00001; TOPMed below 0.00001.
gnomAD v4.1: 1 of 1,301,592 alleles (0.000077%); highest among the groups gnomAD compares: Middle Eastern, 0.029%; no homozygotes.

Submissions (2):

Labcorp Genetics (formerly Invitae), Labcorp
Classification: Uncertain significance for Glycine encephalopathy. Last evaluated: 2021-09-01. Review status: criteria provided, single submitter. Criteria: Invitae Variant Classification Sherloc (09022015). Collection method: clinical testing. Allele origin: germline.
Comment: This sequence change replaces glycine with glutamic acid at codon 24 of the GLDC protein (p.Gly24Glu). The glycine residue is weakly conserved and there is a moderate physicochemical difference between glycine and glutamic acid. The frequency data for this variant in the population databases is considered unreliable, as metrics indicate insufficient coverage at this position in the ExAC database. This variant has not been reported in the literature in individuals affected with GLDC-related conditions. Algorithms developed to predict the effect of missense changes on protein structure and function (SIFT, PolyPhen-2, Align-GVGD) all suggest that this variant is likely to be tolerated. In summary, the available evidence is currently insufficient to determine the role of this variant in disease. Therefore, it has been classified as a Variant of Uncertain Significance.

Natera, Inc.
Classification: Uncertain significance for Non-ketotic hyperglycinemia. Last evaluated: 2020-10-29. Review status: no assertion criteria provided. Collection method: clinical testing. Allele origin: germline. Not counted in ClinVar's aggregate classification.

NM_000170.3(GLDC):c.71G>A (p.Gly24Glu)

Gene: GLDC (glycine decarboxylase; minus strand). Cytogenetic location: 9p24.1.
Variant type: single nucleotide variant.
Coding change: c.71G>A on transcript NM_000170.3 (MANE Select); coding-DNA position 71, G replaced by A.
Protein change: p.Gly24Glu; replaces glycine 24 with glutamic acid.
Molecular consequence: missense variant.
Genome position (GRCh38, 1-based): chr9:6,645,429, C>T on the plus strand (G>A on the coding strand, the complement: GLDC is on the minus strand). VCF-style: chr9-6645429-C-T. GRCh37 (hg19) VCF-style: chr9-6645429-C-T.
Other names: short protein forms G24E.
Identifiers: ClinVar variation 580811 (VCV000580811.9), dbSNP rs967983950, ClinGen allele CA188663133.